The following is an entry in ClinVar:

NM_017739.4(POMGNT1):c.1000A>G (p.Thr334Ala)

Genes: POMGNT1 (protein O-linked mannose N-acetylglucosaminyltransferase 1 (beta 1,2-); minus strand), TSPAN1 (tetraspanin 1; plus strand). Cytogenetic location: 1p34.1.
Variant type: single nucleotide variant.
Coding change: c.1000A>G on transcript NM_017739.4 (MANE Select); coding-DNA position 1000, A replaced by G.
Protein change: p.Thr334Ala; replaces threonine 334 with alanine.
Molecular consequence: missense variant.
Genome position (GRCh38, 1-based): chr1:46,193,590, T>C on the plus strand (A>G on the coding strand, the complement: POMGNT1 is on the minus strand). VCF-style: chr1-46193590-T-C. GRCh37 (hg19) VCF-style: chr1-46659262-T-C.
Other names: c.1000A>G, p.Thr334Ala (NM_001243766.2, NM_001410783.1); c.934A>G, p.Thr312Ala (NM_001290129.3); c.571A>G, p.Thr191Ala (NM_001290130.2); short protein forms T191A, T312A, T334A.
Identifiers: ClinVar variation 1442450 (VCV001442450.4), dbSNP rs1267806554, ClinGen allele CA340180759.

ClinVar aggregate classification (germline): Uncertain significance (1 of 4 stars; one submission).

Conditions:
Autosomal recessive limb-girdle muscular dystrophy type 2O. Also called: Limb-Girdle Muscular Dystrophy Type 3C; MUSCULAR DYSTROPHY-DYSTROGLYCANOPATHY (LIMB-GIRDLE), TYPE C, 3; MUSCULAR DYSTROPHY-DYSTROGLYCANOPATHY, LIMB-GIRDLE, POMGNT1-RELATED. Identifiers: Orphanet 206564, MedGen C3150417, MONDO:0013161, OMIM 613157.
Muscular dystrophy-dystroglycanopathy (congenital with impaired intellectual development), type B, 3. Also called: Muscular dystrophy-dystroglycanopathy (congenital with intellectual disability), type B3; MUSCULAR DYSTROPHY, CONGENITAL, POMGNT1-RELATED. Identifiers: MedGen C3150412, MONDO:0013155, OMIM 613151.

Allele frequency attached by ClinVar (database versions not stated): gnomAD 0.00001; TOPMed 0.00001; gnomAD exomes 0.00001.
gnomAD v4.1: 9 of 1,614,032 alleles (0.00056%); highest among the groups gnomAD compares: Non-Finnish European, 0.00076%; no homozygotes.

Submission:

Labcorp Genetics (formerly Invitae), Labcorp
Classification: Uncertain significance for Autosomal recessive limb-girdle muscular dystrophy type 2O; Muscular dystrophy-dystroglycanopathy (congenital with impaired intellectual development), type B, 3. Last evaluated: 2023-12-11. Review status: criteria provided, single submitter. Criteria: Invitae Variant Classification Sherloc (09022015). Collection method: clinical testing. Allele origin: germline.
Comment: This sequence change replaces threonine, which is neutral and polar, with alanine, which is neutral and non-polar, at codon 334 of the POMGNT1 protein (p.Thr334Ala). This variant is not present in population databases (gnomAD no frequency). This variant has not been reported in the literature in individuals affected with POMGNT1-related conditions. ClinVar contains an entry for this variant (Variation ID: 1442450). Advanced modeling of protein sequence and biophysical properties (such as structural, functional, and spatial information, amino acid conservation, physicochemical variation, residue mobility, and thermodynamic stability) performed at Invitae indicates that this missense variant is not expected to disrupt POMGNT1 protein function with a negative predictive value of 95%. In summary, the available evidence is currently insufficient to determine the role of this variant in disease. Therefore, it has been classified as a Variant of Uncertain Significance.